The following is an entry in ClinVar:

ClinVar aggregate classification (germline): Pathogenic (1 of 4 stars; one submission).

Conditions:
Developmental and epileptic encephalopathy, 2 (DEE2). Also called: INFANTILE SPASM SYNDROME, X-LINKED 2; CDKL5 deficiency disorder. Identifiers: Orphanet 1934, Orphanet 3451, Orphanet 505652, MedGen C4750718, MONDO:0010396, OMIM 300672.
Angelman syndrome-like. Identifiers: MedGen CN128785.

Submission:

Labcorp Genetics (formerly Invitae), Labcorp
Classification: Pathogenic for Developmental and epileptic encephalopathy, 2; Angelman syndrome-like. Last evaluated: 2023-08-27. Review status: criteria provided, single submitter. Criteria: Invitae Variant Classification Sherloc (09022015). Collection method: clinical testing. Allele origin: germline.
Comment: For these reasons, this variant has been classified as Pathogenic. This variant has not been reported in the literature in individuals affected with CDKL5-related conditions. This variant is not present in population databases (gnomAD no frequency). This sequence change creates a premature translational stop signal (p.His581Ilefs*35) in the CDKL5 gene. It is expected to result in an absent or disrupted protein product. Loss-of-function variants in CDKL5 are known to be pathogenic (PMID: 22872100).

Literature cited by the submitters: PubMed 22872100.

NM_001323289.2(CDKL5):c.1741del (p.His581fs)

Gene: CDKL5 (cyclin dependent kinase like 5; plus strand). Cytogenetic location: Xp22.13.
Variant type: Deletion.
Coding change: c.1741del on transcript NM_001323289.2 (MANE Select); coding-DNA position 1741, one base deleted (C; older notation c.1741delC).
Protein change: p.His581fs; shifts the reading frame from histidine 581.
Molecular consequence: frameshift variant.
Genome position (GRCh38, 1-based): chrX:18,604,665, C deleted; the last of 2 consecutive C bases (chrX:18,604,664-18,604,665); deleting either gives the same sequence. VCF-style (leftmost placement, unchanged base first): chrX-18604663-GC-G. GRCh37 (hg19) VCF-style: chrX-18622783-GC-G.
Other names: c.1741del, p.His581fs (NM_001037343.2, NM_003159.3); short protein forms H581fs.
Identifiers: ClinVar variation 2951292 (VCV002951292.3), dbSNP rs2518875232, ClinGen allele CA2740092031.